The following is an entry in ClinVar:

ClinVar aggregate classification (germline): Uncertain significance (1 of 4 stars; one submission).

Conditions:
Developmental and epileptic encephalopathy, 53. Also called: Epileptic encephalopathy, early infantile, 53. Identifiers: MedGen C4479313, MONDO:0033362, OMIM 617389.
Early-onset Parkinson disease 20. Also called: PARKINSON DISEASE 20, AUTOSOMAL RECESSIVE EARLY-ONSET. Identifiers: Orphanet 391411, MedGen C3809824, MONDO:0014233, OMIM 615530.

Submission:

Labcorp Genetics (formerly Invitae), Labcorp
Classification: Uncertain significance for Developmental and epileptic encephalopathy, 53; Early-onset Parkinson disease 20. Last evaluated: 2023-11-27. Review status: criteria provided, single submitter. Criteria: Invitae Variant Classification Sherloc (09022015). Collection method: clinical testing. Allele origin: germline.
Comment: This sequence change replaces valine, which is neutral and non-polar, with isoleucine, which is neutral and non-polar, at codon 226 of the SYNJ1 protein (p.Val226Ile). This variant is not present in population databases (gnomAD no frequency). This variant has not been reported in the literature in individuals affected with SYNJ1-related conditions. ClinVar contains an entry for this variant (Variation ID: 1052026). Advanced modeling of protein sequence and biophysical properties (such as structural, functional, and spatial information, amino acid conservation, physicochemical variation, residue mobility, and thermodynamic stability) performed at Invitae indicates that this missense variant is not expected to disrupt SYNJ1 protein function with a negative predictive value of 80%. In summary, the available evidence is currently insufficient to determine the role of this variant in disease. Therefore, it has been classified as a Variant of Uncertain Significance.

NM_203446.3(SYNJ1):c.559G>A (p.Val187Ile)

Gene: SYNJ1 (synaptojanin 1; minus strand). Cytogenetic location: 21q22.11.
Variant type: single nucleotide variant.
Coding change: c.559G>A on transcript NM_203446.3 (MANE Select); coding-DNA position 559, G replaced by A.
Protein change: p.Val187Ile; replaces valine 187 with isoleucine.
Molecular consequence: missense variant.
Genome position (GRCh38, 1-based): chr21:32,695,203, C>T on the plus strand (G>A on the coding strand, the complement: SYNJ1 is on the minus strand). VCF-style: chr21-32695203-C-T. GRCh37 (hg19) VCF-style: chr21-34067513-C-T.
Other names: c.559G>A, p.Val187Ile (NM_001160302.2, NM_001160306.2); c.676G>A, p.Val226Ile (NM_003895.4); short protein forms V187I, V226I.
Identifiers: ClinVar variation 1052026 (VCV001052026.11), dbSNP rs2146174430, ClinGen allele CA410098528.
Genomic context (GRCh38, chr21:32,695,203, plus strand): 5'-ATCTTGAAATGAGGCAAGCCTTCGCCTGTTTATGAGCAGCATAAATTGTTCTGATTTCTA[C>T]TCCTCCACACATAAGACGTAATAACCAGTCATCACAATTCACGCCATAGTGTTTGAGATG-3'
Protein context (NP_982271.3, residues 177-197): DWLLRLMCGG[Val187Ile]EIRTIYAAHK